The following is an entry in ClinVar:

ClinVar aggregate classification (germline): Conflicting classifications of pathogenicity. Review status: criteria provided, conflicting classifications (1 of 4 stars). 2 submissions from 2 submitters: Uncertain significance (1); Likely benign (1). Last evaluated 2026-08-27.

Conditions:
Multiple endocrine neoplasia, type 2 (MEN2). Identifiers: Orphanet 653, MedGen C4048306, MONDO:0019003. Disease mechanism: gain of function.
Hereditary cancer-predisposing syndrome. Also called: Hereditary Cancer Syndrome; Hereditary neoplastic syndrome; Neoplastic Syndromes, Hereditary; Tumor predisposition. Identifiers: Orphanet 140162, MedGen C0027672, MeSH D009386, MONDO:0015356.

Submissions (2):

Ambry Genetics
Classification: Likely benign for Hereditary cancer-predisposing syndrome. Last evaluated: 2026-08-27. Review status: criteria provided, single submitter. Criteria: Ambry Variant Classification Scheme 2023. Collection method: clinical testing. Allele origin: germline.

Labcorp Genetics (formerly Invitae), Labcorp
Classification: Uncertain significance for Multiple endocrine neoplasia, type 2. Last evaluated: 2024-02-19. Review status: criteria provided, single submitter. Criteria: Invitae Variant Classification Sherloc (09022015). Collection method: clinical testing. Allele origin: germline.
Comment: This sequence change replaces glutamine, which is neutral and polar, with arginine, which is basic and polar, at codon 233 of the RET protein (p.Gln233Arg). This variant is not present in population databases (gnomAD no frequency). This variant has not been reported in the literature in individuals affected with RET-related conditions. ClinVar contains an entry for this variant (Variation ID: 2447526). Algorithms developed to predict the effect of missense changes on protein structure and function output the following: SIFT: "Not Available"; PolyPhen-2: "Benign"; Align-GVGD: "Not Available". The arginine amino acid residue is found in multiple mammalian species, which suggests that this missense change does not adversely affect protein function. In summary, the available evidence is currently insufficient to determine the role of this variant in disease. Therefore, it has been classified as a Variant of Uncertain Significance.

NM_020975.6(RET):c.698A>G (p.Gln233Arg)

Gene: RET (ret proto-oncogene; plus strand). Cytogenetic location: 10q11.21.
Variant type: single nucleotide variant.
Coding change: c.698A>G on transcript NM_020975.6 (MANE Select); coding-DNA position 698, A replaced by G.
Protein change: p.Gln233Arg; replaces glutamine 233 with arginine.
Molecular consequence: missense variant. On other transcripts: 5 prime UTR variant (1), intron variant (22).
Genome position (GRCh38, 1-based): chr10:43,105,024, A>G. VCF-style: chr10-43105024-A-G. GRCh37 (hg19) VCF-style: chr10-43600472-A-G.
Other names: c.698A>G, p.Gln233Arg (NM_000323.2, NM_001406743.1, NM_001406744.1 and 8 more transcripts); c.-65A>G (NM_001355216.2); c.569A>G, p.Gln190Arg (NM_001406761.1, NM_001406762.1, NM_001406764.1 and 2 more transcripts); c.410A>G, p.Gln137Arg (NM_001406766.1, NM_001406767.1, NM_001406770.1); c.625+2395A>G (NM_001406773.1, NM_001406771.1, NM_001406782.1 and 5 more transcripts); c.496+2395A>G (NM_001406786.1, NM_001406783.1); c.338-4007A>G (NM_001406778.1, NM_001406775.1, NM_001406776.1 and 1 more transcripts); c.337+4302A>G (NM_001406790.1, NM_001406788.1, NM_001406789.1 and 1 more transcripts); and 2 more; short protein forms Q233R, Q190R, Q137R.
Identifiers: ClinVar variation 2447526 (VCV002447526.5), dbSNP rs1318202673, ClinGen allele CA376544598.
Genomic context (GRCh38, chr10:43,105,024, plus strand): 5'-CCTTCCGCTGCGCCCCGGACAGCCTGGAGGTGAGCACGCGCTGGGCCCTGGACCGCGAGC[A>G]GCGGGAGAAGTACGAGCTGGTGGCCGTGTGCACCGTGCACGCCGGCGCGCGCGAGGAGGT-3'
Protein context (NP_066124.1, residues 223-243): VSTRWALDRE[Gln233Arg]REKYELVAVC